The following is an entry in ClinVar:

NM_000159.4(GCDH):c.416C>G (p.Ser139Trp)

Gene: GCDH (glutaryl-CoA dehydrogenase; plus strand). Cytogenetic location: 19p13.13.
Variant type: single nucleotide variant.
Coding change: c.416C>G on transcript NM_000159.4 (MANE Select); coding-DNA position 416, C replaced by G.
Protein change: p.Ser139Trp; replaces serine 139 with tryptophan.
Molecular consequence: missense variant. On other transcripts: non-coding transcript variant (2).
Genome position (GRCh38, 1-based): chr19:12,893,564, C>G. VCF-style: chr19-12893564-C-G. GRCh37 (hg19) VCF-style: chr19-13004378-C-G.
Other names: c.416C>G, p.Ser139Trp (NM_013976.5); c.416C>G (NM_000159.3); short protein forms S139W.
Identifiers: ClinVar variation 550912 (VCV000550912.11), dbSNP rs139851890, ClinGen allele CA404317502.

ClinVar aggregate classification (germline): Pathogenic/Likely pathogenic. Review status: criteria provided, multiple submitters, no conflicts (2 of 4 stars). 4 submissions from 4 submitters: Pathogenic (1); Likely pathogenic (2). 1 of the submissions does not count toward it. Last evaluated 2026-01-12.

Conditions:
Glutaric aciduria, type 1. Also called: GA I; Glutaryl-CoA dehydrogenase deficiency; Glutaricaciduria, type I; Glutaric acidemia type I; Glutaricacidemia Type 1; Glutaric Acidemia Type 1. Identifiers: Orphanet 25, MedGen C0268595, MONDO:0009281, OMIM 231670.

Submissions (4):

Natera, Inc.
Classification: Likely pathogenic for Glutaric acidemia type 1. Last evaluated: 2026-01-12. Review status: criteria provided, single submitter. Criteria: Natera Variant Classification Schema (03/2026). Collection method: clinical testing. Allele origin: germline.
Comment: The c.416C>G variant in GCDH is a missense variant predicted to cause substitution of serine to tryptophan at amino acid 139. This variant is rare in the general population with a frequency below the threshold expected for the associated phenotype(s). This variant has been observed in one or more individuals affected with the associated recessive disease, as either homozygous or compound heterozygous with a second variant (PMID: 35367405, 30838026, 24332224). A different variant at the same position has been determined to be Pathogenic or Likely Pathogenic. Computational prediction algorithms indicate this variant is likely to affect gene or protein function. Given the available evidence, this variant is classified as Likely Pathogenic.

Baylor Genetics
Classification: Likely pathogenic for Glutaric aciduria, type 1. Last evaluated: 2024-02-08. Review status: criteria provided, single submitter. Criteria: ACMG Guidelines, 2015. Collection method: clinical testing. Allele origin: unknown.

Labcorp Genetics (formerly Invitae), Labcorp
Classification: Pathogenic for Glutaric aciduria, type 1. Last evaluated: 2021-11-02. Review status: criteria provided, single submitter. Criteria: Invitae Variant Classification Sherloc (09022015). Collection method: clinical testing. Allele origin: germline.
Comment: This sequence change replaces serine, which is neutral and polar, with tryptophan, which is neutral and slightly polar, at codon 139 of the GCDH protein (p.Ser139Trp). This variant is not present in population databases (gnomAD no frequency). For these reasons, this variant has been classified as Pathogenic. This variant disrupts the p.Ser139 amino acid residue in GCDH. Other variant(s) that disrupt this residue have been determined to be pathogenic (PMID: 6377226, 20514322, 21176883, 26656312, 28143689). This suggests that this residue is clinically significant, and that variants that disrupt this residue are likely to be disease-causing. Advanced modeling of protein sequence and biophysical properties (such as structural, functional, and spatial information, amino acid conservation, physicochemical variation, residue mobility, and thermodynamic stability) performed at Invitae indicates that this missense variant is expected to disrupt GCDH protein function. ClinVar contains an entry for this variant (Variation ID: 550912). This missense change has been observed in individual(s) with glutaric aciduria type 1 (PMID: 24332224, 32508882).

Counsyl
Classification: Uncertain significance for Glutaric aciduria, type 1. Last evaluated: 2017-04-24. Review status: no assertion criteria provided. Collection method: clinical testing. Allele origin: unknown. Not counted in ClinVar's aggregate classification.

Literature cited by the submitters: PubMed 35367405 (cited by Natera, Inc.); PubMed 30838026 (cited by Natera, Inc.); PubMed 24332224 (cited by 3 submitters); PubMed 6377226 (cited by Labcorp Genetics (formerly Invitae), Labcorp); PubMed 20514322 (cited by Labcorp Genetics (formerly Invitae), Labcorp); PubMed 21176883 (cited by Labcorp Genetics (formerly Invitae), Labcorp); PubMed 26656312 (cited by Labcorp Genetics (formerly Invitae), Labcorp); PubMed 28143689 (cited by Labcorp Genetics (formerly Invitae), Labcorp); PubMed 32508882 (cited by Labcorp Genetics (formerly Invitae), Labcorp).